The following is an entry in ClinVar:

NM_080425.4(GNAS):c.1830C>A (p.Asn610Lys)

Gene: GNAS (GNAS complex locus; plus strand). Cytogenetic location: 20q13.32.
Variant type: single nucleotide variant.
Coding change: c.1830C>A on transcript NM_080425.4 (MANE Plus Clinical); coding-DNA position 1830, C replaced by A.
Protein change: p.Asn610Lys; replaces asparagine 610 with lysine.
Molecular consequence: missense variant. On other transcripts: intron variant (3).
Genome position (GRCh38, 1-based): chr20:58,855,095, C>A. VCF-style: chr20-58855095-C-A. GRCh37 (hg19) VCF-style: chr20-57430150-C-A.
Other names: c.1643C>A, p.Thr548Asn (NM_001077490.3, NM_001309883.1); c.1830C>A, p.Asn610Lys (NM_001410913.1); c.*42+14209C>A (NM_016592.5); c.43+14209C>A (NM_001410912.1); c.-39+13220C>A (NM_001309861.2); short protein forms N610K, T548N.
Identifiers: ClinVar variation 3029376 (VCV003029376.2), dbSNP rs1365492916, ClinGen allele CA409463061.
Genomic context (GRCh38, chr20:58,855,095, plus strand): 5'-CTGGTTTCAGCATCGGCGAAATCGCCGCCGCCGAAAGCCCCAGCGCAACTTACTCCGCAA[C>A]TTTCTCGTGCAAGCCTTCGGGGGCTGCTTCGGTCGATCTGAGAGTCCCCAGCCCAAAGCC-3'
Protein context (NP_536350.2, residues 600-620): RRKPQRNLLR[Asn610Lys]FLVQAFGGCF

ClinVar aggregate classification (germline): Uncertain significance (0 of 4 stars; one submission).

Conditions:
GNAS-related disorder. Identifiers: MedGen CN380105.

Allele frequency attached by ClinVar (database versions not stated): gnomAD 0.00003; TOPMed 0.00002; gnomAD exomes 0.00001.
gnomAD v4.1: 16 of 1,613,498 alleles (0.00099%); highest among the groups gnomAD compares: Non-Finnish European, 0.0014%; no homozygotes.

Submission:

PreventionGenetics, part of Exact Sciences
Classification: Uncertain significance for GNAS-related condition. Last evaluated: 2023-11-23. Review status: no assertion criteria provided. Collection method: clinical testing. Allele origin: germline.
Comment: The GNAS c.1830C>A variant is predicted to result in the amino acid substitution p.Asn610Lys. To our knowledge, this variant has not been reported in the literature. This variant is reported in 0.0024% of alleles in individuals of European (Non-Finnish) descent in gnomAD. At this time, the clinical significance of this variant is uncertain due to the absence of conclusive functional and genetic evidence.